The following is an entry in ClinVar:

ClinVar aggregate classification (germline): Benign/Likely benign. Review status: criteria provided, multiple submitters, no conflicts (2 of 4 stars). 3 submissions from 3 submitters: Benign (1); Likely benign (2). Last evaluated 2024-02-29.

Conditions:
Familial adenomatous polyposis 1 (FAP1). Also called: FAMILIAL ADENOMATOUS POLYPOSIS 1, ATTENUATED; POLYPOSIS, ADENOMATOUS INTESTINAL. Identifiers: MedGen C2713442, MONDO:0021056, OMIM 175100. Disease mechanism: loss of function.
Hereditary cancer-predisposing syndrome. Also called: Tumor predisposition; Neoplastic Syndromes, Hereditary; Hereditary neoplastic syndrome; Hereditary Cancer Syndrome. Identifiers: Orphanet 140162, MedGen C0027672, MeSH D009386, MONDO:0015356.

Submissions (3):

Myriad Genetics, Inc.
Classification: Benign for Familial adenomatous polyposis 1. Last evaluated: 2024-02-29. Review status: criteria provided, single submitter. Criteria: Myriad Autosomal Dominant, Autosomal Recessive and X-Linked Classification Criteria (2023). Collection method: clinical testing. Allele origin: unknown.
Comment: This variant is considered benign. This variant is a silent/synonymous amino acid change and it is not expected to impact splicing.

Ambry Genetics
Classification: Likely benign for Hereditary cancer-predisposing syndrome. Last evaluated: 2023-03-17. Review status: criteria provided, single submitter. Criteria: Ambry Variant Classification Scheme 2023. Collection method: clinical testing. Allele origin: germline.

Labcorp Genetics (formerly Invitae), Labcorp
Classification: Likely benign for Familial adenomatous polyposis 1. Last evaluated: 2019-10-28. Review status: criteria provided, single submitter. Criteria: Invitae Variant Classification Sherloc (09022015). Collection method: clinical testing. Allele origin: germline.

NM_000038.6(APC):c.924G>A (p.Leu308=)

Gene: APC (APC regulator of Wnt signaling pathway; plus strand). Cytogenetic location: 5q22.2.
Variant type: single nucleotide variant.
Coding change: c.924G>A on transcript NM_000038.6 (MANE Select); coding-DNA position 924, G replaced by A.
Protein change: p.Leu308=; no amino-acid change (leucine 308 retained).
Molecular consequence: synonymous variant.
Genome position (GRCh38, 1-based): chr5:112,815,584, G>A. VCF-style: chr5-112815584-G-A. GRCh37 (hg19) VCF-style: chr5-112151281-G-A.
Other names: c.924G>A, p.Leu308= (NM_001127510.3, NM_001354895.2, NM_001354896.2 and 1 more transcripts); c.870G>A, p.Leu290= (NM_001127511.3); c.954G>A, p.Leu318= (NM_001354897.2, NM_001354902.2); c.849G>A, p.Leu283= (NM_001354898.2, NM_001354904.2); c.840G>A, p.Leu280= (NM_001354899.2); c.747G>A, p.Leu249= (NM_001354900.2, NM_001354901.2, NM_001354905.2); c.75G>A, p.Leu25= (NM_001354906.2).
Identifiers: ClinVar variation 416722 (VCV000416722.14), dbSNP rs1060504873, ClinGen allele CA16611620.